The following is an entry in ClinVar:

ClinVar aggregate classification (germline): Uncertain significance. Review status: criteria provided, multiple submitters, no conflicts (2 of 4 stars). 2 submissions from 2 submitters: Uncertain significance (2). Last evaluated 2025-08-10.

Conditions:
Dyskeratosis congenita, autosomal dominant 6 (DKCA6). Identifiers: Orphanet 3322, MedGen C4225284, MONDO:0014690, OMIM 616553.
Inborn genetic diseases. Identifiers: MedGen C0950123, MeSH D030342.

Submissions (2):

Ambry Genetics
Classification: Uncertain significance for Inborn genetic diseases. Last evaluated: 2025-08-10. Review status: criteria provided, single submitter. Criteria: Ambry Variant Classification Scheme 2023. Collection method: clinical testing. Allele origin: germline.

Labcorp Genetics (formerly Invitae), Labcorp
Classification: Uncertain significance for Dyskeratosis congenita, autosomal dominant 6. Last evaluated: 2023-04-07. Review status: criteria provided, single submitter. Criteria: Invitae Variant Classification Sherloc (09022015). Collection method: clinical testing. Allele origin: germline.
Comment: Advanced modeling of protein sequence and biophysical properties (such as structural, functional, and spatial information, amino acid conservation, physicochemical variation, residue mobility, and thermodynamic stability) performed at Invitae indicates that this missense variant is not expected to disrupt ACD protein function. This variant has not been reported in the literature in individuals affected with ACD-related conditions. This variant is not present in population databases (gnomAD no frequency). This sequence change replaces proline, which is neutral and non-polar, with alanine, which is neutral and non-polar, at codon 289 of the ACD protein (p.Pro289Ala). In summary, the available evidence is currently insufficient to determine the role of this variant in disease. Therefore, it has been classified as a Variant of Uncertain Significance.

NM_001082486.2(ACD):c.607C>G (p.Pro203Ala)

Gene: ACD (ACD shelterin complex subunit and telomerase recruitment factor; minus strand). Cytogenetic location: 16q22.1.
Variant type: single nucleotide variant.
Coding change: c.607C>G on transcript NM_001082486.2 (MANE Select); coding-DNA position 607, C replaced by G.
Protein change: p.Pro203Ala; replaces proline 203 with alanine.
Molecular consequence: missense variant.
Genome position (GRCh38, 1-based): chr16:67,658,966, G>C on the plus strand (C>G on the coding strand, the complement: ACD is on the minus strand). VCF-style: chr16-67658966-G-C. GRCh37 (hg19) VCF-style: chr16-67692869-G-C.
Other names: c.607C>G, p.Pro203Ala (NM_001410884.1); c.598C>G, p.Pro200Ala (NM_022914.3); c.865C>G (NM_001082486.1); short protein forms P203A, P200A.
Identifiers: ClinVar variation 2853097 (VCV002853097.5), dbSNP rs758700674, ClinGen allele CA396354001.